The following is an entry in ClinVar:

ClinVar aggregate classification (germline): Uncertain significance (1 of 4 stars; one submission).

Conditions:
Inborn genetic diseases. Identifiers: MedGen C0950123, MeSH D030342.

gnomAD v4.1: 1 of 1,612,526 alleles (0.000062%); highest among the groups gnomAD compares: Non-Finnish European, 0.000085%; no homozygotes.

Submission:

Ambry Genetics
Classification: Uncertain significance for Inborn genetic diseases. Last evaluated: 2025-01-21. Review status: criteria provided, single submitter. Criteria: Ambry Variant Classification Scheme 2023. Collection method: clinical testing. Allele origin: germline.
Comment: The p.P300R variant (also known as c.899C>G), located in coding exon 7 of the PAX5 gene, results from a C to G substitution at nucleotide position 899. The proline at codon 300 is replaced by arginine, an amino acid with dissimilar properties. This amino acid position is conserved. In addition, this alteration is predicted to be deleterious by in silico analysis. Based on the available evidence, the clinical significance of this variant remains unclear.

NM_016734.3(PAX5):c.899C>G (p.Pro300Arg)

Gene: PAX5 (paired box 5; minus strand). Cytogenetic location: 9p13.2.
Variant type: single nucleotide variant.
Coding change: c.899C>G on transcript NM_016734.3 (MANE Select); coding-DNA position 899, C replaced by G.
Protein change: p.Pro300Arg; replaces proline 300 with arginine.
Molecular consequence: missense variant. On other transcripts: intron variant (2).
Genome position (GRCh38, 1-based): chr9:36,923,366, G>C on the plus strand (C>G on the coding strand, the complement: PAX5 is on the minus strand). VCF-style: chr9-36923366-G-C. GRCh37 (hg19) VCF-style: chr9-36923363-G-C.
Other names: c.899C>G, p.Pro300Arg (NM_001280547.2, NM_001280548.2, NM_001280552.2); c.575C>G, p.Pro192Arg (NM_001280551.2, NM_001280556.2); c.770C>G, p.Pro257Arg (NM_001280553.2, NM_001280554.2); c.701C>G, p.Pro234Arg (NM_001280555.2); c.780+43183C>G (NM_001280550.2, NM_001280549.2); short protein forms P234R, P192R, P300R, P257R.
Identifiers: ClinVar variation 3885935 (VCV003885935.1).